The following is an entry in ClinVar:

ClinVar aggregate classification (germline): Conflicting classifications of pathogenicity. Review status: criteria provided, conflicting classifications (1 of 4 stars). 4 submissions from 4 submitters: Uncertain significance (2); Likely benign (2). Last evaluated 2026-02-02.

Conditions:
Fanconi anemia (FA). Also called: Fanconi's anemia. Identifiers: Orphanet 84, MedGen C0015625, MeSH D005199, MONDO:0019391.
Fanconi anemia complementation group D2. Also called: FANCD2-Related Fanconi Anemia; FANCONI PANCYTOPENIA, TYPE 4; FANCONI ANEMIA, COMPLEMENTATION GROUP D. Identifiers: Orphanet 84, MedGen C3160738, MONDO:0009214, OMIM 227646.

Allele frequency attached by ClinVar (database versions not stated): gnomAD 0.00006 and 0.00005; ExAC 0.00009; gnomAD exomes 0.00011; TOPMed 0.00006.
gnomAD v4.1: 84 of 1,613,828 alleles (0.0052%); highest among the groups gnomAD compares: Admixed American, 0.005%; no homozygotes.

Submissions (4):

Labcorp Genetics (formerly Invitae), Labcorp
Classification: Likely benign for Fanconi anemia. Last evaluated: 2026-02-02. Review status: criteria provided, single submitter. Criteria: Invitae Variant Classification Sherloc (09022015). Collection method: clinical testing. Allele origin: germline.

Blueprint Genetics
Classification: Likely benign. Last evaluated: 2024-09-05. Review status: criteria provided, single submitter. Criteria: ACMG Guidelines, 2015. Collection method: clinical testing. Allele origin: germline.

Sema4
Classification: Uncertain significance for Fanconi anemia. Last evaluated: 2021-08-15. Review status: criteria provided, single submitter. Criteria: Sema4 Curation Guidelines. Collection method: curation. Allele origin: germline.
Comment: The FANCD2 c.4186-13C>T variant has not been reported in the literature to our knowledge. It was observed in 22/10072 chromosomes of the Ashkenazi Jewish subpopulation, with no homozygotes, in the large and broad cohorts of the Genome Aggregation Database (PMID: 32461654). In silico tools suggest that this variant may strengthen the acceptor splicing site. The variant has been reported in ClinVar (Variation ID 342378). The evidence is insufficient to meet ACMG/AMP criteria for classifying the variant as benign or pathogenic. Thus, the clinical significance of this variant is currently uncertain.

Illumina Laboratory Services, Illumina
Classification: Uncertain significance for Fanconi anemia complementation group D2. Last evaluated: 2018-01-13. Review status: criteria provided, single submitter. Criteria: ICSL Variant Classification Criteria 13 December 2019. Collection method: clinical testing. Allele origin: germline.

NM_001018115.3(FANCD2):c.4186-13C>T

Genes: FANCD2 (FA complementation group D2; plus strand), FANCD2OS (FANCD2 opposite strand; minus strand). Cytogenetic location: 3p25.3.
Variant type: single nucleotide variant.
Coding change: c.4186-13C>T on transcript NM_001018115.3 (MANE Select); 13 bases into the intron before coding-DNA position 4186, C replaced by T.
Molecular consequence: intron variant.
Genome position (GRCh38, 1-based): chr3:10,098,707, C>T. VCF-style: chr3-10098707-C-T. GRCh37 (hg19) VCF-style: chr3-10140391-C-T.
Other names: c.4186-13C>T (NM_001319984.2, NM_033084.6); c.4075-13C>T (NM_001374253.1); c.4147-13C>T (NM_001374254.1); c.*43+5491G>A (NM_173472.2).
Identifiers: ClinVar variation 342378 (VCV000342378.14), dbSNP rs755767180, ClinGen allele CA2250648.